The following is an entry in ClinVar:

NM_017617.5(NOTCH1):c.4031C>T (p.Thr1344Met)

Gene: NOTCH1 (notch receptor 1; minus strand). Cytogenetic location: 9q34.3.
Variant type: single nucleotide variant.
Coding change: c.4031C>T on transcript NM_017617.5 (MANE Select); coding-DNA position 4031, C replaced by T.
Protein change: p.Thr1344Met; replaces threonine 1344 with methionine.
Molecular consequence: missense variant.
Genome position (GRCh38, 1-based): chr9:136,505,865, G>A on the plus strand (C>T on the coding strand, the complement: NOTCH1 is on the minus strand). VCF-style: chr9-136505865-G-A. GRCh37 (hg19) VCF-style: chr9-139400317-G-A.
Other names: c.4031C>T, p.Thr1344Met (LRG_1122t1); c.4031C>T (NM_017617.4); short protein forms T1344M.
Identifiers: ClinVar variation 449810 (VCV000449810.28), dbSNP rs201215245, ClinGen allele CA5340704.
Genomic context (GRCh38, chr9:136,505,865, plus strand): 5'-ATGCATGTGCCGCCGTTGAGGCAGCGCAGGCTGCCGCAGGTACGAGCGTCATTCTCACAC[G>A]TGGCGCCCTCGAAGCCCTGCCCGAGAGGGAAGACAGGACGGTGTCGGGGTGGGCCACCCC-3'
Protein context (NP_060087.3, residues 1334-1354): CKCPAGFEGA[Thr1344Met]CENDARTCGS

ClinVar aggregate classification (germline): Likely benign. Review status: criteria provided, multiple submitters, no conflicts (2 of 4 stars). 9 submissions from 9 submitters: Likely benign (7). 2 of the submissions do not count toward it. Last evaluated 2026-01-12.

Conditions:
NOTCH1-related disorder. Also called: NOTCH1-related condition; NOTCH1-related disorders.
Adams-Oliver syndrome 5 (AOS5). Identifiers: Orphanet 974, MedGen C4014970, MONDO:0014459, OMIM 616028.
Familial thoracic aortic aneurysm and aortic dissection (TAAD). Also called: Thoracic aortic aneurysms and dissections. Identifiers: Orphanet 91387, MedGen C4707243, MONDO:0019625.

Allele frequency attached by ClinVar (database versions not stated): TOPMed 0.00038; ESP Exome Variant Server 0.00054; ExAC 0.00076.
gnomAD v4.1: 714 of 1,592,770 alleles (0.045%); highest among the groups gnomAD compares: Non-Finnish European, 0.056%; no homozygotes.

Submissions (9):

Labcorp Genetics (formerly Invitae), Labcorp
Classification: Likely benign for Adams-Oliver syndrome 5. Last evaluated: 2026-01-12. Review status: criteria provided, single submitter. Criteria: Invitae Variant Classification Sherloc (09022015). Collection method: clinical testing. Allele origin: germline.

Women's Health and Genetics/Laboratory Corporation of America, LabCorp
Classification: Likely benign. Last evaluated: 2025-10-29. Review status: criteria provided, single submitter. Criteria: LabCorp Variant Classification Summary - May 2015. Collection method: clinical testing. Allele origin: germline.
Comment: Variant summary: NOTCH1 c.4031C>T (p.Thr1344Met) results in a non-conservative amino acid change located in the EGF-like domain (IPR000742) of the encoded protein sequence. Algorithms developed to predict the effect of missense changes on protein structure and function are either unavailable or do not agree on the potential impact of this missense change. The variant allele was found at a frequency of 0.00045 in 215554 control chromosomes. The observed variant frequency exceeds the estimated maximal expected allele frequency for disease-causing variants in NOTCH1. c.4031C>T has been reported in the literature as a VUS in individuals affected with left-sided congenital heart disease (Kerstjens-Frederikse_2016) and thoracic aortic aneurysm (Salmasi_2022), without strong evidence for causality. These reports do not provide unequivocal conclusions about association of the variant with Aortic Valve Disease. To our knowledge, no experimental evidence demonstrating an impact on protein function has been reported. The following publications have been ascertained in the context of this evaluation (PMID: 26820064, 35830949). ClinVar contains an entry for this variant (Variation ID: 449810). Based on the evidence outlined above, the variant was classified as likely benign.

PreventionGenetics, part of Exact Sciences
Classification: Likely benign for NOTCH1-related condition. Last evaluated: 2025-01-29. Review status: criteria provided, single submitter. Criteria: ACMG Guidelines, 2015. Collection method: clinical testing. Allele origin: germline.
Comment: This variant is classified as likely benign based on ACMG/AMP sequence variant interpretation guidelines (Richards et al. 2015 PMID: 25741868, with internal and published modifications).

Ambry Genetics
Classification: Likely benign for Familial thoracic aortic aneurysm and aortic dissection. Last evaluated: 2024-05-10. Review status: criteria provided, single submitter. Criteria: Ambry Variant Classification Scheme 2023. Collection method: clinical testing. Allele origin: germline.

Blueprint Genetics
Classification: Likely benign. Last evaluated: 2024-03-13. Review status: criteria provided, single submitter. Criteria: ACMG Guidelines, 2015. Collection method: clinical testing. Allele origin: germline.

GeneDx
Classification: Likely benign. Last evaluated: 2021-08-02. Review status: criteria provided, single submitter. Criteria: GeneDx Variant Classification Process June 2021. Collection method: clinical testing. Allele origin: germline. Affected: yes.
Comment: This variant is associated with the following publications: (PMID: 26820064)

CHEO Genetics Diagnostic Laboratory, Children's Hospital of Eastern Ontario
Classification: Likely benign for Familial thoracic aortic aneurysm and aortic dissection. Last evaluated: 2020-11-24. Review status: criteria provided, single submitter. Criteria: ACMG Guidelines, 2015. Collection method: clinical testing. Allele origin: germline. Study: Canadian Open Genetics Repository.

Clinical Genetics DNA and cytogenetics Diagnostics Lab, Erasmus MC, Erasmus Medical Center
Classification: Uncertain significance. Review status: no assertion criteria provided. Collection method: clinical testing. Allele origin: germline. Affected: yes. Study: VKGL Data-share Consensus. Not counted in ClinVar's aggregate classification.

Laboratory of Diagnostic Genome Analysis, Leiden University Medical Center (LUMC)
Classification: Uncertain significance. Review status: no assertion criteria provided. Collection method: clinical testing. Allele origin: germline. Affected: yes. Study: VKGL Data-share Consensus. Not counted in ClinVar's aggregate classification.

Literature cited by the submitters: PubMed 35830949 (cited by Women's Health and Genetics/Laboratory Corporation of America, LabCorp); PubMed 26820064 (cited by Women's Health and Genetics/Laboratory Corporation of America, LabCorp and Ambry Genetics); PubMed 29641532 (cited by Ambry Genetics).